The following is an entry in ClinVar:

ClinVar aggregate classification (germline): Likely benign. Review status: criteria provided, multiple submitters, no conflicts (2 of 4 stars). 3 submissions from 3 submitters: Likely benign (3). Last evaluated 2022-07-01.

Allele frequency attached by ClinVar (database versions not stated): TOPMed 0.00001; ExAC 0.00002; gnomAD exomes 0.00002; ESP Exome Variant Server 0.00008.
gnomAD v4.1: 23 of 1,613,964 alleles (0.0014%); highest among the groups gnomAD compares: South Asian, 0.0055%; no homozygotes.

Submissions (3):

CeGaT Center for Human Genetics Tuebingen
Classification: Likely benign. Last evaluated: 2022-07-01. Review status: criteria provided, single submitter. Criteria: CeGaT Center For Human Genetics Tuebingen Variant Classification Criteria Version 2. Collection method: clinical testing. Allele origin: germline. Affected: yes. Observed: 1 variant allele.
Comment: CLDN14: BP4, BP7

Labcorp Genetics (formerly Invitae), Labcorp
Classification: Likely benign. Last evaluated: 2022-04-08. Review status: criteria provided, single submitter. Criteria: Invitae Variant Classification Sherloc (09022015). Collection method: clinical testing. Allele origin: germline.

GeneDx
Classification: Likely benign. Last evaluated: 2018-04-16. Review status: criteria provided, single submitter. Criteria: GeneDx Variant Classification (06012015). Collection method: clinical testing. Allele origin: germline. Affected: yes.
Comment: This variant is considered likely benign or benign based on one or more of the following criteria: it is a conservative change, it occurs at a poorly conserved position in the protein, it is predicted to be benign by multiple in silico algorithms, and/or has population frequency not consistent with disease.

NM_001146079.2(CLDN14):c.525C>T (p.Leu175=)

Genes: CLDN14 (claudin 14; minus strand), CLDN14-AS1 (CLDN14 antisense RNA 1; plus strand). Cytogenetic location: 21q22.13.
Variant type: single nucleotide variant.
Coding change: c.525C>T on transcript NM_001146079.2 (MANE Select); coding-DNA position 525, C replaced by T.
Protein change: p.Leu175=; no amino-acid change (leucine 175 retained).
Molecular consequence: synonymous variant.
Genome position (GRCh38, 1-based): chr21:36,461,171, G>A on the plus strand (C>T on the coding strand, the complement: CLDN14 is on the minus strand). VCF-style: chr21-36461171-G-A. GRCh37 (hg19) VCF-style: chr21-37833469-G-A.
Other names: c.525C>T, p.Leu175= (NM_001146077.2, NM_001146078.3, NM_012130.4 and 1 more transcripts).
Identifiers: ClinVar variation 684204 (VCV000684204.33), dbSNP rs373226526, ClinGen allele CA10019240.
Genomic context (GRCh38, chr21:36,461,171, plus strand): 5'-CTGGTAGGGCCTGTAGGGTGCCTCGTCCTGGCAGGACAGGCAAAGCAGGGTGCCACCAAT[G>A]AGCGAGAGGGACGAGGAGATGAAGCCCAGGTACAGGGCCTGGCCAATCTCAAACTTCATG-3'
Protein context (NP_001139551.1, residues 165-185): YLGFISSSLS[Leu175=]IGGTLLCLSC